The following is an entry in ClinVar:

NM_000214.3(JAG1):c.2758A>T (p.Ile920Phe)

Gene: JAG1 (jagged canonical Notch ligand 1; minus strand). Cytogenetic location: 20p12.2.
Variant type: single nucleotide variant.
Coding change: c.2758A>T on transcript NM_000214.3 (MANE Select); coding-DNA position 2758, A replaced by T.
Protein change: p.Ile920Phe; replaces isoleucine 920 with phenylalanine.
Molecular consequence: missense variant.
Genome position (GRCh38, 1-based): chr20:10,641,618, T>A on the plus strand (A>T on the coding strand, the complement: JAG1 is on the minus strand). VCF-style: chr20-10641618-T-A. GRCh37 (hg19) VCF-style: chr20-10622266-T-A.
Other names: c.2758A>T (NM_000214.2); short protein forms I920F.
Identifiers: ClinVar variation 1434353 (VCV001434353.12), dbSNP rs1252730791, ClinGen allele CA408245035.

ClinVar aggregate classification (germline): Conflicting classifications of pathogenicity. Review status: criteria provided, conflicting classifications (1 of 4 stars). 4 submissions from 4 submitters: Uncertain significance (3); Likely benign (1). Last evaluated 2026-01-10.

Conditions:
JAG1-related disorder. Also called: JAG1-related condition; JAG1-related disorders.
Charcot-Marie-Tooth disease, axonal, Type 2HH. Also called: CHARCOT-MARIE-TOOTH NEUROPATHY, TYPE 2HH. Identifiers: MedGen C5562003, MONDO:0030458, OMIM 619574.
Alagille syndrome due to a JAG1 point mutation. Also called: HEPATIC DUCTULAR HYPOPLASIA, SYNDROMATIC; Alagille Syndrome 1; JAG1-Related Alagille Syndrome. Identifiers: Orphanet 261619, Orphanet 52, MedGen C1956125, MONDO:0016862, OMIM 118450.
Tetralogy of Fallot (TOF). Identifiers: Orphanet 3303, MedGen C0039685, MONDO:0008542, OMIM 187500, HP:0001636.
Deafness, congenital heart defects, and posterior embryotoxon (DCHE). Identifiers: MedGen C1866053, MONDO:0060713, OMIM 617992.

Allele frequency attached by ClinVar (database versions not stated): gnomAD exomes below 0.00001 and 0.00005; TOPMed 0.00001.
gnomAD v4.1: 69 of 1,614,078 alleles (0.0043%); highest among the groups gnomAD compares: Non-Finnish European, 0.0058%; no homozygotes.

Submissions (4):

Women's Health and Genetics/Laboratory Corporation of America, LabCorp
Classification: Uncertain significance. Last evaluated: 2026-01-10. Review status: criteria provided, single submitter. Criteria: LabCorp Variant Classification Summary - May 2015. Collection method: clinical testing. Allele origin: germline.

PreventionGenetics, part of Exact Sciences
Classification: Uncertain significance for JAG1-related condition. Last evaluated: 2025-02-06. Review status: criteria provided, single submitter. Criteria: ACMG Guidelines, 2015. Collection method: clinical testing. Allele origin: germline.
Comment: The JAG1 c.2758A>T variant is predicted to result in the amino acid substitution p.Ile920Phe. To our knowledge, this variant has not been reported in the literature. This variant is reported in 0.00088% of alleles in individuals of European (Non-Finnish) descent in gnomAD. At this time, the clinical significance of this variant is uncertain due to the absence of conclusive functional and genetic evidence.

Fulgent Genetics
Classification: Uncertain significance for Alagille syndrome due to a JAG1 point mutation; Tetralogy of Fallot; Deafness, congenital heart defects, and posterior embryotoxon; Charcot-Marie-Tooth disease, axonal, Type 2HH. Last evaluated: 2024-01-25. Review status: criteria provided, single submitter. Criteria: ACMG Guidelines, 2015. Collection method: clinical testing. Allele origin: germline.

Labcorp Genetics (formerly Invitae), Labcorp
Classification: Likely benign for Alagille syndrome due to a JAG1 point mutation. Last evaluated: 2023-08-30. Review status: criteria provided, single submitter. Criteria: Invitae Variant Classification Sherloc (09022015). Collection method: clinical testing. Allele origin: germline.